The following is an entry in ClinVar:

NM_018834.6(MATR3):c.743G>T (p.Ser248Ile)

Gene: MATR3 (matrin 3; plus strand). Cytogenetic location: 5q31.2.
Variant type: single nucleotide variant.
Coding change: c.743G>T on transcript NM_018834.6 (MANE Select); coding-DNA position 743, G replaced by T.
Protein change: p.Ser248Ile; replaces serine 248 with isoleucine.
Molecular consequence: missense variant. On other transcripts: intron variant (11).
Genome position (GRCh38, 1-based): chr5:139,308,158, G>T. VCF-style: chr5-139308158-G-T. GRCh37 (hg19) VCF-style: chr5-138643847-G-T.
Other names: c.743G>T, p.Ser248Ile (NM_001194954.2, NM_001194955.2, NM_001400441.1 and 16 more transcripts); c.52-6517G>T (NM_001400459.1); c.-102-6517G>T (NM_001400463.1, NM_001400460.1, NM_001282278.2 and 3 more transcripts); c.-40-7539G>T (NM_001400462.1, NM_001400467.1); c.13-6517G>T (NM_001400461.1); c.49-6517G>T (NM_001194956.2); short protein forms S248I.
Identifiers: ClinVar variation 2009318 (VCV002009318.4), dbSNP rs2546758478, ClinGen allele CA361487974.

ClinVar aggregate classification (germline): Uncertain significance (1 of 4 stars; one submission).

Conditions:
Amyotrophic lateral sclerosis type 21. Also called: VOCAL CORD AND PHARYNGEAL DYSFUNCTION WITH DISTAL MYOPATHY; MYOPATHY, DISTAL, 2. Identifiers: Orphanet 600, Orphanet 803, MedGen C3807521, MONDO:0011632, OMIM 606070.

Submission:

Labcorp Genetics (formerly Invitae), Labcorp
Classification: Uncertain significance for Amyotrophic lateral sclerosis type 21. Last evaluated: 2022-06-22. Review status: criteria provided, single submitter. Criteria: Invitae Variant Classification Sherloc (09022015). Collection method: clinical testing. Allele origin: germline.
Comment: Algorithms developed to predict the effect of missense changes on protein structure and function (SIFT, PolyPhen-2, Align-GVGD) all suggest that this variant is likely to be disruptive. In summary, the available evidence is currently insufficient to determine the role of this variant in disease. Therefore, it has been classified as a Variant of Uncertain Significance. This variant has not been reported in the literature in individuals affected with MATR3-related conditions. This variant is not present in population databases (gnomAD no frequency). This sequence change replaces serine, which is neutral and polar, with isoleucine, which is neutral and non-polar, at codon 248 of the MATR3 protein (p.Ser248Ile).